The following is an entry in ClinVar:

ClinVar aggregate classification (germline): Pathogenic (1 of 4 stars; one submission).

Conditions:
Cone-rod dystrophy 2 (CORD2). Also called: CONE-ROD RETINAL DYSTROPHY; Cone-rod retinal dystrophy 2. Identifiers: Orphanet 1872, MedGen C3489532, MONDO:0007362, OMIM 120970.
Leber congenital amaurosis 7 (LCA7). Identifiers: Orphanet 65, MedGen C3151192, MONDO:0013449, OMIM 613829.

Submission:

Labcorp Genetics (formerly Invitae), Labcorp
Classification: Pathogenic for Cone-rod dystrophy 2; Leber congenital amaurosis 7. Last evaluated: 2023-07-21. Review status: criteria provided, single submitter. Criteria: Invitae Variant Classification Sherloc (09022015). Collection method: clinical testing. Allele origin: germline.
Comment: For these reasons, this variant has been classified as Pathogenic. ClinVar contains an entry for this variant (Variation ID: 1056395). This variant has not been reported in the literature in individuals affected with CRX-related conditions. This variant is not present in population databases (gnomAD no frequency). This sequence change creates a premature translational stop signal (p.Met26Profs*43) in the CRX gene. It is expected to result in an absent or disrupted protein product. Loss-of-function variants in CRX are known to be pathogenic (PMID: 27208204, 31626798, 35934205).

Literature cited by the submitters: PubMed 27208204; PubMed 31626798; PubMed 35934205.

NM_000554.6(CRX):c.76_80del (p.Met26fs)

Gene: CRX (cone-rod homeobox; plus strand). Cytogenetic location: 19q13.33.
Variant type: Deletion.
Coding change: c.76_80del on transcript NM_000554.6 (MANE Select); coding-DNA positions 76 to 80, 5 bases deleted (ATGCA; older notation c.76_80delATGCA).
Protein change: p.Met26fs; shifts the reading frame from methionine 26.
Molecular consequence: frameshift variant.
Genome position (GRCh38, 1-based): chr19:47,834,519-47,834,523, ATGCA deleted. VCF-style (leftmost placement, unchanged base first): chr19-47834518-GATGCA-G. GRCh37 (hg19) VCF-style: chr19-48337775-GATGCA-G.
Other names: short protein forms M26fs.
Identifiers: ClinVar variation 1056395 (VCV001056395.6), dbSNP rs2123738324, ClinGen allele CA2499225528.
Genomic context (GRCh38, chr19:47,834,518, plus strand): 5'-GAACCCGGGGCCCCACTATTCTGTCAACGCCTTGGCCCTAAGTGGCCCCAGTGTGGATCT[GATGCA>G]CCAGGCTGTGCCCTACCCAAGTGAGTACAGTCGTTTCTCTTGGCACCCCAGGCTGGCCTC-3'